The following is an entry in ClinVar:

ClinVar aggregate classification (germline): Uncertain significance. Review status: criteria provided, multiple submitters, no conflicts (2 of 4 stars). 3 submissions from 3 submitters: Uncertain significance (3). Last evaluated 2026-10-01.

Conditions:
Baller-Gerold syndrome (BGS). Also called: CRANIOSYNOSTOSIS WITH RADIAL DEFECTS. Identifiers: Orphanet 1225, MedGen C0265308, MONDO:0009039, OMIM 218600.
Rothmund-Thomson syndrome type 2 (RTS2). Identifiers: Orphanet 221016, MedGen C5203410, MONDO:0016369, OMIM 268400.
Inborn genetic diseases. Identifiers: MedGen C0950123, MeSH D030342.

Allele frequency attached by ClinVar (database versions not stated): TOPMed 0.00001.

Submissions (3):

St. Jude Molecular Pathology, St. Jude Children's Research Hospital
Classification: Uncertain significance for Rothmund-Thomson syndrome type 2. Last evaluated: 2026-10-01. Review status: criteria provided, single submitter. Criteria: St. Jude Assertion Criteria 2020. Collection method: clinical testing. Allele origin: germline.
Comment: The RECQL4 c.183C>A p.(Ser61Arg) missense change has a maximum subpopulation frequency of 0.03% in gnomAD v2.1.1. In silico tools are inconclusive about a pathogenic or benign effect of this variant on protein function, and to ou r knowledge functional studies have not been performed. To our knowledge, this variant has not been reported in individuals with RECQL4-associated conditions. In summary, the evidence currently available is insufficient to determine the clinical significance of this variant. It has therefore been classified as of uncertain significance.

Ambry Genetics
Classification: Uncertain significance for Inborn genetic diseases. Last evaluated: 2025-01-17. Review status: criteria provided, single submitter. Criteria: Ambry Variant Classification Scheme 2023. Collection method: clinical testing. Allele origin: germline.
Comment: The p.S61R variant (also known as c.183C>A), located in coding exon 3 of the RECQL4 gene, results from a C to A substitution at nucleotide position 183. The serine at codon 61 is replaced by arginine, an amino acid with dissimilar properties. This amino acid position is conserved. In addition, this alteration is predicted to be tolerated by in silico analysis. Based on the available evidence, the clinical significance of this variant remains unclear.

Labcorp Genetics (formerly Invitae), Labcorp
Classification: Uncertain significance for Baller-Gerold syndrome. Last evaluated: 2023-10-11. Review status: criteria provided, single submitter. Criteria: Invitae Variant Classification Sherloc (09022015). Collection method: clinical testing. Allele origin: germline.
Comment: This sequence change replaces serine, which is neutral and polar, with arginine, which is basic and polar, at codon 61 of the RECQL4 protein (p.Ser61Arg). The frequency data for this variant in the population databases is considered unreliable, as metrics indicate poor data quality at this position in the gnomAD database. This variant has not been reported in the literature in individuals affected with RECQL4-related conditions. Experimental studies and prediction algorithms are not available or were not evaluated, and the functional significance of this variant is currently unknown. In summary, the available evidence is currently insufficient to determine the role of this variant in disease. Therefore, it has been classified as a Variant of Uncertain Significance.

NM_004260.4(RECQL4):c.183C>A (p.Ser61Arg)

Genes: RECQL4 (RecQ like helicase 4; minus strand), LOC130001411 (ATAC-STARR-seq lymphoblastoid silent region 19699; plus strand). Cytogenetic location: 8q24.3.
Variant type: single nucleotide variant.
Coding change: c.183C>A on transcript NM_004260.4 (MANE Select); coding-DNA position 183, C replaced by A.
Protein change: p.Ser61Arg; replaces serine 61 with arginine.
Molecular consequence: missense variant. On other transcripts: 5 prime UTR variant (16), non-coding transcript variant (3), intron variant (2).
Genome position (GRCh38, 1-based): chr8:144,517,444, G>T on the plus strand (C>A on the coding strand, the complement: RECQL4 is on the minus strand). VCF-style: chr8-144517444-G-T. GRCh37 (hg19) VCF-style: chr8-145742828-G-T.
Other names: c.183C>A (NM_004260.3); c.183C>A, p.Ser61Arg (NM_001413017.1, NM_001413018.1, NM_001413019.1 and 5 more transcripts); c.-538C>A (NM_001413021.1); c.-889C>A (NM_001413022.1, NM_001413023.1, NM_001413037.1 and 2 more transcripts); c.-786C>A (NM_001413024.1, NM_001413035.1); c.-951C>A (NM_001413027.1, NM_001413030.1, NM_001413031.1 and 1 more transcripts); c.-614C>A (NM_001413028.1); c.-848C>A (NM_001413032.1); and 4 more; short protein forms S61R.
Identifiers: ClinVar variation 2889653 (VCV002889653.5), dbSNP rs530002165, ClinGen allele CA187690960.